The following is an entry in ClinVar:

ClinVar aggregate classification (germline): Pathogenic/Likely pathogenic. Review status: criteria provided, multiple submitters, no conflicts (2 of 4 stars). 2 submissions from 2 submitters: Pathogenic (1); Likely pathogenic (1). Last evaluated 2024-05-28.

Conditions:
SHANK1-associated disorder.

Allele frequency attached by ClinVar (database versions not stated): 1000 Genomes Project 30x 0.00016.

Submissions (2):

Institute of Human Genetics Munich, TUM University Hospital
Classification: Likely pathogenic for SHANK1-associated disorder. Last evaluated: 2024-05-28. Review status: criteria provided, single submitter. Criteria: Classification criteria August 2017. Collection method: clinical testing. Allele origin: paternal. Inheritance: Autosomal dominant inheritance. Affected: yes. Observed: 1 variant allele.

GeneDx
Classification: Pathogenic. Last evaluated: 2022-04-19. Review status: criteria provided, single submitter. Criteria: GeneDx Variant Classification Process June 2021. Collection method: clinical testing. Allele origin: germline. Affected: yes.
Comment: Nonsense variant predicted to result in protein truncation or nonsense mediated decay in a gene for which loss of function is a known mechanism of disease; Not observed in large population cohorts (gnomAD); Has not been previously published as pathogenic or benign to our knowledge

NM_016148.5(SHANK1):c.3142C>T (p.Arg1048Ter)

Gene: SHANK1 (SH3 and multiple ankyrin repeat domains 1; minus strand). Cytogenetic location: 19q13.33.
Variant type: single nucleotide variant.
Coding change: c.3142C>T on transcript NM_016148.5 (MANE Select); coding-DNA position 3142, C replaced by T.
Protein change: p.Arg1048Ter; replaces arginine 1048 with a stop codon.
Molecular consequence: nonsense.
Genome position (GRCh38, 1-based): chr19:50,668,818, G>A on the plus strand (C>T on the coding strand, the complement: SHANK1 is on the minus strand). VCF-style: chr19-50668818-G-A. GRCh37 (hg19) VCF-style: chr19-51172075-G-A.
Other names: short protein forms R1048*.
Identifiers: ClinVar variation 1678865 (VCV001678865.7), dbSNP rs1210431144, ClinGen allele CA407017891.